The following is an entry in ClinVar:

NM_001375567.1(FOCAD):c.3680C>A (p.Ser1227Ter)

Gene: FOCAD (focadhesin; plus strand). Cytogenetic location: 9p21.3.
Variant type: single nucleotide variant.
Coding change: c.3680C>A on transcript NM_001375567.1 (MANE Select); coding-DNA position 3680, C replaced by A.
Protein change: p.Ser1227Ter; replaces serine 1227 with a stop codon.
Molecular consequence: nonsense.
Genome position (GRCh38, 1-based): chr9:20,948,275, C>A. VCF-style: chr9-20948275-C-A. GRCh37 (hg19) VCF-style: chr9-20948274-C-A.
Other names: c.3575C>A, p.Ser1192Ter (NM_001375568.1, NM_001375570.1); c.3680C>A, p.Ser1227Ter (NM_017794.5); short protein forms S1192*, S1227*.
Identifiers: ClinVar variation 3655506 (VCV003655506.2).
Genomic context (GRCh38, chr9:20,948,275, plus strand): 5'-AAATCTGTGTCTTTTTTTTTTCTTTTTCTTACCCCATTTTTATTTATTTATATCAGACTT[C>A]AGGTTTTGCCCTGGCTTTAGGAAACATAGTTCATGGATTGTCTGTGTGTGGACATGGAAA-3'

ClinVar aggregate classification (germline): Uncertain significance (1 of 4 stars; one submission).

Submission:

Labcorp Genetics (formerly Invitae), Labcorp
Classification: Uncertain significance. Last evaluated: 2024-06-04. Review status: criteria provided, single submitter. Criteria: Invitae Variant Classification Sherloc (09022015). Collection method: clinical testing. Allele origin: germline.
Comment: This sequence change creates a premature translational stop signal (p.Ser1227*) in the FOCAD gene. It is expected to result in an absent or disrupted protein product. However, the current clinical and genetic evidence is not sufficient to establish whether loss-of-function variants in FOCAD cause disease. This variant is not present in population databases (gnomAD no frequency). This variant has not been reported in the literature in individuals affected with FOCAD-related conditions. Algorithms developed to predict the effect of sequence changes on RNA splicing suggest that this variant may disrupt the consensus splice site. In summary, the available evidence is currently insufficient to determine the role of this variant in disease. Therefore, it has been classified as a Variant of Uncertain Significance.